The following is an entry in ClinVar:

ClinVar aggregate classification (germline): Conflicting classifications of pathogenicity. Review status: criteria provided, conflicting classifications (1 of 4 stars). 5 submissions from 5 submitters: Uncertain significance (4); Benign (1). Last evaluated 2026-01-20.

Conditions:
Ehlers-Danlos syndrome, classic type (cEDS). Identifiers: Orphanet 287, MedGen C4225429, MONDO:0007522.
Ehlers-Danlos syndrome, classic type, 1 (EDSCL1). Also called: Ehlers-Danlos Syndrome, Classic Type, COL5A1-Related; EHLERS-DANLOS SYNDROME, GRAVIS TYPE; EHLERS-DANLOS SYNDROME, SEVERE CLASSIC TYPE; Ehlers-Danlos syndrome, type 1; EDS I. Identifiers: MedGen C0268335, MONDO:0019567, OMIM 130000.
Familial thoracic aortic aneurysm and aortic dissection (TAAD). Also called: Thoracic aortic aneurysms and dissections. Identifiers: Orphanet 91387, MedGen C4707243, MONDO:0019625.

Allele frequency attached by ClinVar (database versions not stated): gnomAD exomes 0.00003; ExAC 0.00003; gnomAD 0.00001; TOPMed 0.00003.
gnomAD v4.1: 42 of 1,612,390 alleles (0.0026%); highest among the groups gnomAD compares: Non-Finnish European, 0.0032%; no homozygotes.

Submissions (5):

Labcorp Genetics (formerly Invitae), Labcorp
Classification: Benign for Ehlers-Danlos syndrome, classic type, 1. Last evaluated: 2026-01-20. Review status: criteria provided, single submitter. Criteria: Invitae Variant Classification Sherloc (09022015). Collection method: clinical testing. Allele origin: germline.

Women's Health and Genetics/Laboratory Corporation of America, LabCorp
Classification: Uncertain significance. Last evaluated: 2025-12-31. Review status: criteria provided, single submitter. Criteria: LabCorp Variant Classification Summary - May 2015. Collection method: clinical testing. Allele origin: germline.
Comment: Variant summary: COL5A1 c.4943A>G (p.Asp1648Gly) results in a non-conservative amino acid change in the encoded protein sequence. Algorithms developed to predict the effect of missense changes on protein structure and function all suggest that this variant is likely to be disruptive. The variant allele was found at a frequency of 3.3e-05 in 242940 control chromosomes. The available data on variant occurrences in the general population are insufficient to allow any conclusion about variant significance. c.4943A>G has been observed in an individual with a quadruple cervicocephalic arterial dissection whose maternal aunt also carried the variant and had a history of a distal aorta and carotid artery abnormality (example: Imamura_2022). This report does not provide unequivocal conclusions about association of the variant with Ehlers-Danlos Syndrome, Classic Type, 1. To our knowledge, no experimental evidence demonstrating an impact on protein function has been reported. The following publication has been ascertained in the context of this evaluation (PMID: 35911880). ClinVar contains an entry for this variant (Variation ID: 237005). Based on the evidence outlined above, the variant was classified as uncertain significance.

Ambry Genetics
Classification: Uncertain significance for Familial thoracic aortic aneurysm and aortic dissection. Last evaluated: 2025-12-19. Review status: criteria provided, single submitter. Criteria: Ambry Variant Classification Scheme 2023. Collection method: clinical testing. Allele origin: germline.
Comment: The p.D1648G variant (also known as c.4943A>G), located in coding exon 62 of the COL5A1 gene, results from an A to G substitution at nucleotide position 4943. The aspartic acid at codon 1648 is replaced by glycine, an amino acid with similar properties. This amino acid position is well conserved in available vertebrate species. In addition, the in silico prediction for this alteration is inconclusive. Since supporting evidence is limited at this time, the clinical significance of this alteration remains unclear.

GeneDx
Classification: Uncertain significance. Last evaluated: 2025-12-18. Review status: criteria provided, single submitter. Criteria: GeneDx Variant Classification Process June 2021. Collection method: clinical testing. Allele origin: germline. Affected: yes.
Comment: In silico analysis supports that this missense variant has a deleterious effect on protein structure/function; Not located in the triple helical region, where the majority of pathogenic missense variants occur (PMID: 22696272; HGMD); Observed in a patient with cervicocephalic arterial dissection in published literature (PMID: 35911880); This variant is associated with the following publications: (PMID: 22696272, 35911880)

Mayo Clinic Laboratories, Mayo Clinic
Classification: Uncertain significance. Last evaluated: 2025-08-14. Review status: criteria provided, single submitter. Criteria: ACMG Guidelines, 2015. Collection method: clinical testing. Allele origin: germline. Observed: 1 variant allele.

Literature cited by the submitters: PubMed 35911880 (cited by Women's Health and Genetics/Laboratory Corporation of America, LabCorp and Mayo Clinic Laboratories, Mayo Clinic).

NM_000093.5(COL5A1):c.4943A>G (p.Asp1648Gly)

Genes: COL5A1 (collagen type V alpha 1 chain; plus strand), LOC101448202 (uncharacterized LOC101448202; minus strand). Cytogenetic location: 9q34.3.
Variant type: single nucleotide variant.
Coding change: c.4943A>G on transcript NM_000093.5 (MANE Select); coding-DNA position 4943, A replaced by G.
Protein change: p.Asp1648Gly; replaces aspartic acid 1648 with glycine.
Molecular consequence: missense variant.
Genome position (GRCh38, 1-based): chr9:134,824,844, A>G. VCF-style: chr9-134824844-A-G. GRCh37 (hg19) VCF-style: chr9-137716690-A-G.
Other names: p.Asp1648Gly; c.4943A>G, p.Asp1648Gly (NM_001278074.1); short protein forms D1648G.
Identifiers: ClinVar variation 237005 (VCV000237005.26), dbSNP rs746071518, ClinGen allele CA5320506.